The following is an entry in ClinVar:

NM_138694.4(PKHD1):c.9034G>T (p.Gly3012Ter)

Gene: PKHD1 (PKHD1 ciliary IPT domain containing fibrocystin/polyductin; minus strand). Cytogenetic location: 6p12.3.
Variant type: single nucleotide variant.
Coding change: c.9034G>T on transcript NM_138694.4 (MANE Select); coding-DNA position 9034, G replaced by T.
Protein change: p.Gly3012Ter; replaces glycine 3012 with a stop codon.
Molecular consequence: nonsense.
Genome position (GRCh38, 1-based): chr6:51,748,582, C>A on the plus strand (G>T on the coding strand, the complement: PKHD1 is on the minus strand). VCF-style: chr6-51748582-C-A. GRCh37 (hg19) VCF-style: chr6-51613380-C-A.
Other names: c.9034G>T, p.Gly3012Ter (NM_170724.3); short protein forms G3012*.
Identifiers: ClinVar variation 5007076 (VCV005007076.2).

ClinVar aggregate classification (germline): Likely pathogenic (1 of 4 stars; one submission).

Conditions:
Polycystic kidney disease 4 (PKD4). Also called: POLYCYSTIC KIDNEY DISEASE 4 WITH OR WITHOUT POLYCYSTIC LIVER DISEASE; POLYCYSTIC KIDNEY AND HEPATIC DISEASE 1; POLYCYSTIC KIDNEY DISEASE, INFANTILE, TYPE I; PKD3; Autosomal Recessive Polycystic Kidney Disease – PKHD1. Identifiers: MedGen C4540575, MONDO:0033004, OMIM 263200.

Submission:

Juno Genomics, Hangzhou Juno Genomics, Inc
Classification: Likely pathogenic for Polycystic kidney disease 4. Review status: criteria provided, single submitter. Criteria: ACMG Guidelines, 2015. Collection method: clinical testing. Allele origin: germline.
Comment: Null variant in a gene where loss of function (LOF) is a known mechanism of disease.;Absent from controls (or at extremely low frequency if recessive) in Genome Aggregation Database.